The following is an entry in ClinVar:

NM_198253.3(TERT):c.445C>G (p.Leu149Val)

Gene: TERT (telomerase reverse transcriptase; minus strand). Cytogenetic location: 5p15.33.
Variant type: single nucleotide variant.
Coding change: c.445C>G on transcript NM_198253.3 (MANE Select); coding-DNA position 445, C replaced by G.
Protein change: p.Leu149Val; replaces leucine 149 with valine.
Molecular consequence: missense variant. On other transcripts: non-coding transcript variant (2).
Genome position (GRCh38, 1-based): chr5:1,294,441, G>C on the plus strand (C>G on the coding strand, the complement: TERT is on the minus strand). VCF-style: chr5-1294441-G-C. GRCh37 (hg19) VCF-style: chr5-1294556-G-C.
Other names: c.445C>G, p.Leu149Val (NM_001193376.3); short protein forms L149V.
Identifiers: ClinVar variation 5030670 (VCV005030670.1).
Genomic context (GRCh38, chr5:1,294,441, plus strand): 5'-GGTAGGCGCAGCTGGGAGCCACCAGCACAAAGAGCGCGCAGCGTGCCAGCAGGTGAACCA[G>C]CACGTCGTCGCCCACGCGGCGCAGCAGCAGCCCCCACGCCCCGCTCCCCCGCAGTGCGTC-3'
Protein context (NP_937983.2, residues 139-159): LLLRRVGDDV[Leu149Val]VHLLARCALF

ClinVar aggregate classification (germline): Uncertain significance (1 of 4 stars; one submission).

Conditions:
Dyskeratosis congenita. Identifiers: Orphanet 1775, MedGen C0265965, MONDO:0015780.

gnomAD v4.1: 1 of 1,592,342 alleles (0.000063%); highest among the groups gnomAD compares: Non-Finnish European, 0.000085%; no homozygotes.

Submission:

Ambry Genetics
Classification: Uncertain significance for Dyskeratosis congenita. Last evaluated: 2026-09-04. Review status: criteria provided, single submitter. Criteria: Ambry Variant Classification Scheme 2023. Collection method: clinical testing. Allele origin: germline.
Comment: The p.L149V variant (also known as c.445C>G), located in coding exon 2 of the TERT gene, results from a C to G substitution at nucleotide position 445. The leucine at codon 149 is replaced by valine, an amino acid with highly similar properties. This amino acid position is conserved. In addition, the in silico prediction for this alteration is inconclusive. Based on the available evidence, the clinical significance of this variant remains unclear.